The following is an entry in ClinVar:

NM_003480.4(MFAP5):c.30G>C (p.Leu10=)

Gene: MFAP5 (microfibril associated protein 5; minus strand). Cytogenetic location: 12p13.31.
Variant type: single nucleotide variant.
Coding change: c.30G>C on transcript NM_003480.4 (MANE Select); coding-DNA position 30, G replaced by C.
Protein change: p.Leu10=; no amino-acid change (leucine 10 retained).
Molecular consequence: synonymous variant. On other transcripts: non-coding transcript variant (2).
Genome position (GRCh38, 1-based): chr12:8,662,075, C>G on the plus strand (G>C on the coding strand, the complement: MFAP5 is on the minus strand). VCF-style: chr12-8662075-C-G. GRCh37 (hg19) VCF-style: chr12-8814671-C-G.
Other names: c.30G>C, p.Leu10= (NM_001297709.2, NM_001297710.2, NM_001297711.2 and 1 more transcripts).
Identifiers: ClinVar variation 2625341 (VCV002625341.2), dbSNP rs749233010, ClinGen allele CA478468193.

ClinVar aggregate classification (germline): Uncertain significance (1 of 4 stars; one submission).

Conditions:
Cardiovascular phenotype. Identifiers: MedGen CN230736.

Submission:

Ambry Genetics
Classification: Uncertain significance for Cardiovascular phenotype. Last evaluated: 2023-08-18. Review status: criteria provided, single submitter. Criteria: Ambry Variant Classification Scheme 2023. Collection method: clinical testing. Allele origin: germline.
Comment: The c.30G>C variant (also known as p.L10L), located in coding exon 1 of the MFAP5 gene, results from a G to C substitution at nucleotide position 30. This nucleotide substitution does not change the leucine at codon 10. This nucleotide position is highly conserved in available vertebrate species. In silico splice site analysis for this alteration is inconclusive. Since supporting evidence is limited at this time, the clinical significance of this alteration remains unclear.